The following is an entry in ClinVar:

ClinVar aggregate classification (germline): Uncertain significance (1 of 4 stars; one submission).

Conditions:
Febrile seizures, familial, 8 (FEB8). Also called: CONVULSIONS, FAMILIAL FEBRILE, 8. Identifiers: Orphanet 36387, MedGen C1969810, MONDO:0011891, OMIM 607681.
EPILEPSY, CHILDHOOD ABSENCE, SUSCEPTIBILITY TO, 2 (ECA2). Identifiers: Orphanet 64280, MedGen C1843244, OMIM 607681.

Submission:

Labcorp Genetics (formerly Invitae), Labcorp
Classification: Uncertain significance for Febrile seizures, familial, 8; EPILEPSY, CHILDHOOD ABSENCE, SUSCEPTIBILITY TO, 2. Last evaluated: 2022-02-05. Review status: criteria provided, single submitter. Criteria: Invitae Variant Classification Sherloc (09022015). Collection method: clinical testing. Allele origin: germline.
Comment: In summary, the available evidence is currently insufficient to determine the role of this variant in disease. Therefore, it has been classified as a Variant of Uncertain Significance. Advanced modeling of protein sequence and biophysical properties (such as structural, functional, and spatial information, amino acid conservation, physicochemical variation, residue mobility, and thermodynamic stability) performed at Invitae indicates that this missense variant is expected to disrupt GABRG2 protein function. This variant has not been reported in the literature in individuals affected with GABRG2-related conditions. This variant is not present in population databases (gnomAD no frequency). This sequence change replaces tyrosine, which is neutral and polar, with cysteine, which is neutral and slightly polar, at codon 220 of the GABRG2 protein (p.Tyr220Cys).

NM_198904.4(GABRG2):c.659A>G (p.Tyr220Cys)

Gene: GABRG2 (gamma-aminobutyric acid type A receptor subunit gamma2; plus strand). Cytogenetic location: 5q34.
Variant type: single nucleotide variant.
Coding change: c.659A>G on transcript NM_198904.4 (MANE Select); coding-DNA position 659, A replaced by G.
Protein change: p.Tyr220Cys; replaces tyrosine 220 with cysteine.
Molecular consequence: missense variant.
Genome position (GRCh38, 1-based): chr5:162,103,916, A>G. VCF-style: chr5-162103916-A-G. GRCh37 (hg19) VCF-style: chr5-161530922-A-G.
Other names: c.659A>G, p.Tyr220Cys (NM_000816.3, NM_001375340.1, NM_001375341.1 and 2 more transcripts); c.650A>G, p.Tyr217Cys (NM_001375339.1); c.779A>G, p.Tyr260Cys (NM_001375343.1, NM_198903.2); c.593A>G, p.Tyr198Cys (NM_001375345.1, NM_001375346.1); c.572A>G, p.Tyr191Cys (NM_001375347.1); c.239A>G, p.Tyr80Cys (NM_001375348.1, NM_001375350.1); c.374A>G, p.Tyr125Cys (NM_001375349.1); short protein forms Y125C, Y260C, Y217C, Y191C, Y198C, Y220C, Y80C.
Identifiers: ClinVar variation 1426255 (VCV001426255.6), dbSNP rs2113370519, ClinGen allele CA362185021.